The following is an entry in ClinVar:

ClinVar aggregate classification (germline): Likely benign. Review status: criteria provided, multiple submitters, no conflicts (2 of 4 stars). 3 submissions from 3 submitters: Likely benign (2). 1 of the submissions does not count toward it. Last evaluated 2025-01-15.

Conditions:
Becker muscular dystrophy (BMD). Also called: MUSCULAR DYSTROPHY, PSEUDOHYPERTROPHIC PROGRESSIVE, BECKER TYPE; Becker Muscular Dystrophy (BMD). Identifiers: Orphanet 98895, MedGen C0917713, MONDO:0010311, OMIM 300376.
Cardiomyopathy (CMYO). Also called: Cardiomyopathies. Identifiers: Orphanet 167848, MedGen C0878544, MONDO:0004994, HP:0001638. Inheritance: Various modes of inheritance.
Duchenne muscular dystrophy (DMD). Also called: MUSCULAR DYSTROPHY, PSEUDOHYPERTROPHIC PROGRESSIVE, DUCHENNE TYPE; Duchenne Muscular Dystrophy (DMD). Identifiers: Orphanet 98896, MedGen C0013264, MONDO:0010679, OMIM 310200.
Dystrophin deficiency.

Allele frequency attached by ClinVar (database versions not stated): gnomAD exomes 0.00001.
gnomAD v4.1: 8 of 1,211,685 alleles (0.00066%); highest among the groups gnomAD compares: South Asian, 0.011%; no homozygotes.

Submissions (3):

Labcorp Genetics (formerly Invitae), Labcorp
Classification: Likely benign for Duchenne muscular dystrophy. Last evaluated: 2025-01-15. Review status: criteria provided, single submitter. Criteria: Invitae Variant Classification Sherloc (09022015). Collection method: clinical testing. Allele origin: germline.

GeneDx
Classification: Likely benign. Last evaluated: 2016-10-19. Review status: criteria provided, single submitter. Criteria: GeneDx Variant Classification (06012015). Collection method: clinical testing. Allele origin: germline. Affected: yes.
Comment: This variant is considered likely benign or benign based on one or more of the following criteria: it is a conservative change, it occurs at a poorly conserved position in the protein, it is predicted to be benign by multiple in silico algorithms, and/or has population frequency not consistent with disease.

Natera, Inc.
Classification: Likely benign for Becker muscular dystrophy; Cardiomyopathy; Duchenne muscular dystrophy; Dystrophin deficiency. Last evaluated: 2019-07-30. Review status: no assertion criteria provided. Collection method: clinical testing. Allele origin: germline. Not counted in ClinVar's aggregate classification.

NM_004006.3(DMD):c.9390T>C (p.Cys3130=)

Gene: DMD (dystrophin; minus strand). Cytogenetic location: Xp21.2.
Variant type: single nucleotide variant.
Coding change: c.9390T>C on transcript NM_004006.3 (MANE Select); coding-DNA position 9390, T replaced by C.
Protein change: p.Cys3130=; no amino-acid change (cysteine 3130 retained).
Molecular consequence: synonymous variant.
Genome position (GRCh38, 1-based): chrX:31,209,671, A>G on the plus strand (T>C on the coding strand, the complement: DMD is on the minus strand). VCF-style: chrX-31209671-A-G. GRCh37 (hg19) VCF-style: chrX-31227788-A-G.
Other names: c.9366T>C, p.Cys3122= (NM_000109.4); c.9378T>C, p.Cys3126= (NM_004009.3); c.9021T>C, p.Cys3007= (NM_004010.3); c.5367T>C, p.Cys1789= (NM_004011.4); c.5358T>C, p.Cys1786= (NM_004012.4); c.2010T>C, p.Cys670= (NM_004013.3, NM_004020.4, NM_004021.3 and 2 more transcripts); c.1203T>C, p.Cys401= (NM_004014.3); c.186T>C, p.Cys62= (NM_004015.3, NM_004016.3, NM_004017.3 and 2 more transcripts).
Identifiers: ClinVar variation 390099 (VCV000390099.11), dbSNP rs1057523643, ClinGen allele CA16608831.